The following is an entry in ClinVar:

NM_152564.5(VPS13B):c.4745+5G>C

Gene: VPS13B (vacuolar protein sorting 13 homolog B; plus strand). Cytogenetic location: 8q22.2.
Variant type: single nucleotide variant.
Coding change: c.4745+5G>C on transcript NM_152564.5 (MANE Select); 5 bases into the intron after coding-DNA position 4745, G replaced by C.
Molecular consequence: intron variant.
Genome position (GRCh38, 1-based): chr8:99,521,015, G>C. VCF-style: chr8-99521015-G-C. GRCh37 (hg19) VCF-style: chr8-100533243-G-C.
Other names: c.4820+5G>C (NM_017890.5).
Identifiers: ClinVar variation 4998144 (VCV004998144.1).
Genomic context (GRCh38, chr8:99,521,015, plus strand): 5'-GCTCCCCAGGCTGACAATCCCCTTGGCAGATCTGTCCTTAGGAAAGATATTTACCAGTAA[G>C]TTTATTTTCTTATGTCCAATCTTGCAACAATTTTCATCCTGCAAACACATATAGTGGTCA-3'

ClinVar aggregate classification (germline): Uncertain significance (1 of 4 stars; one submission).

Conditions:
VPS13B-related disorder. Also called: VPS13B-related condition.

Submission:

PreventionGenetics, part of Exact Sciences
Classification: Uncertain significance for VPS13B-related condition. Last evaluated: 2025-02-12. Review status: criteria provided, single submitter. Criteria: ACMG Guidelines, 2015. Collection method: clinical testing. Allele origin: germline.
Comment: The VPS13B c.4745+5G>C variant is predicted to interfere with splicing. This variant is predicted to alter splicing based on available splicing prediction programs (SpliceAI, Jaganathan et al. 2019. PubMed ID: 30661751). To our knowledge, this variant has not been reported in the literature or in a large population database (gnomAD), indicating this variant is rare. At this time, the clinical significance of this variant is uncertain due to the absence of conclusive functional and genetic evidence.